The following is an entry in ClinVar:

NM_001267550.2(TTN):c.11717A>G (p.Tyr3906Cys)

Gene: TTN (titin; minus strand). Cytogenetic location: 2q31.2.
Variant type: single nucleotide variant.
Coding change: c.11717A>G on transcript NM_001267550.2 (MANE Select); coding-DNA position 11717, A replaced by G.
Protein change: p.Tyr3906Cys; replaces tyrosine 3906 with cysteine.
Molecular consequence: missense variant. On other transcripts: intron variant (1).
Genome position (GRCh38, 1-based): chr2:178,741,516, T>C on the plus strand (A>G on the coding strand, the complement: TTN is on the minus strand). VCF-style: chr2-178741516-T-C. GRCh37 (hg19) VCF-style: chr2-179606243-T-C.
Other names: p.Y3589C:TAT>TGT; c.10766A>G, p.Tyr3589Cys (NM_001256850.1); c.10628A>G, p.Tyr3543Cys (NM_003319.4); c.11003A>G, p.Tyr3668Cys (NM_133432.3); c.11204A>G, p.Tyr3735Cys (NM_133437.4); c.10361-3156A>G (NM_133378.4); c.11717A>G (NM_001267550.1); short protein forms Y3589C, Y3906C, Y3543C, Y3735C, Y3668C.
Identifiers: ClinVar variation 203222 (VCV000203222.4), dbSNP rs375020177, ClinGen allele CA311725.
Genomic context (GRCh38, chr2:178,741,516, plus strand): 5'-GCCACTGCTGATTCTGTTTCAGTGTCTTTGTGACCCTCTCCTTTGGAATTAATTTTTAGA[T>C]AGGCACTACATATTGTCTTTCCATAGTCATTACTGGCCATACATGTATACTCTCCCTCAT-3'
Protein context (NP_001254479.2, residues 3896-3916): NDYGKTICSA[Tyr3906Cys]LKINSKGEGH

ClinVar aggregate classification (germline): Uncertain significance. Review status: criteria provided, multiple submitters, no conflicts (2 of 4 stars). 2 submissions from 2 submitters: Uncertain significance (2). Last evaluated 2026-08-13.

Conditions:
TTN-related disorder. Also called: TTN-related condition; TTN-related disease; TTN-related disorders.

Allele frequency attached by ClinVar (database versions not stated): gnomAD exomes below 0.00001 and 0.00001; ExAC 0.00001; gnomAD 0.00001; TOPMed 0.00002; ESP Exome Variant Server 0.00008.
gnomAD v4.1: 7 of 1,613,768 alleles (0.00043%); highest among the groups gnomAD compares: African/African-American, 0.004%; 1 homozygote.

Submissions (2):

GeneDx
Classification: Uncertain significance. Last evaluated: 2026-08-13. Review status: criteria provided, single submitter. Criteria: GeneDx Variant Classification Process June 2021. Collection method: clinical testing. Allele origin: germline.
Comment: Not observed at significant frequency in large population cohorts (gnomAD); Missense variant in a gene in which most reported pathogenic variants are truncating/loss of function; Has not been previously published as pathogenic or benign to our knowledge

PreventionGenetics, part of Exact Sciences
Classification: Uncertain significance for TTN-related condition. Last evaluated: 2025-04-30. Review status: criteria provided, single submitter. Criteria: ACMG Guidelines, 2015. Collection method: clinical testing. Allele origin: germline.
Comment: The TTN c.11717A>G variant is predicted to result in the amino acid substitution p.Tyr3906Cys. To our knowledge, this variant has not been reported in the literature. This variant is reported in 0.012% of alleles in individuals of African descent in gnomAD. At this time, the clinical significance of this variant is uncertain due to the absence of conclusive functional and genetic evidence.